The following is an entry in ClinVar:

ClinVar aggregate classification (germline): Uncertain significance. Review status: criteria provided, multiple submitters, no conflicts (2 of 4 stars). 4 submissions from 4 submitters: Uncertain significance (4). Last evaluated 2025-08-31.

Conditions:
Hereditary cancer-predisposing syndrome. Also called: Neoplastic Syndromes, Hereditary; Tumor predisposition; Hereditary neoplastic syndrome; Hereditary Cancer Syndrome. Identifiers: Orphanet 140162, MedGen C0027672, MeSH D009386, MONDO:0015356.
Multiple endocrine neoplasia type 4. Also called: MULTIPLE ENDOCRINE NEOPLASIA, TYPE IV. Identifiers: Orphanet 276152, MedGen C1970712, MONDO:0012552, OMIM 610755.

Allele frequency attached by ClinVar (database versions not stated): gnomAD exomes below 0.00001.

Submissions (4):

Quest Diagnostics Nichols Institute San Juan Capistrano
Classification: Uncertain significance. Last evaluated: 2025-08-31. Review status: criteria provided, single submitter. Criteria: Quest Diagnostics criteria. Collection method: clinical testing. Allele origin: unknown.
Comment: The CDKN1B c.553G>C (p.Glu185Gln) variant has not been reported in individuals with CDKN1B-related conditions in the published literature. This variant has not been reported in large, multi-ethnic general populations (Genome Aggregation Database). Analysis of this variant using bioinformatics tools for the prediction of the effect of amino acid changes on protein structure and function yielded conflicting predictions that this variant is benign or damaging. Based on the available information, we are unable to determine the clinical significance of this variant.

Ambry Genetics
Classification: Uncertain significance for Hereditary cancer-predisposing syndrome. Last evaluated: 2024-10-11. Review status: criteria provided, single submitter. Criteria: Ambry Variant Classification Scheme 2023. Collection method: clinical testing. Allele origin: germline.
Comment: The p.E185Q variant (also known as c.553G>C), located in coding exon 2 of the CDKN1B gene, results from a G to C substitution at nucleotide position 553. The glutamic acid at codon 185 is replaced by glutamine, an amino acid with highly similar properties. This amino acid position is highly conserved in available vertebrate species. In addition, this alteration is predicted to be tolerated by in silico analysis. Since supporting evidence is limited at this time, the clinical significance of this alteration remains unclear.

Labcorp Genetics (formerly Invitae), Labcorp
Classification: Uncertain significance for Multiple endocrine neoplasia type 4. Last evaluated: 2024-02-29. Review status: criteria provided, single submitter. Criteria: Invitae Variant Classification Sherloc (09022015). Collection method: clinical testing. Allele origin: germline.
Comment: This sequence change replaces glutamic acid, which is acidic and polar, with glutamine, which is neutral and polar, at codon 185 of the CDKN1B protein (p.Glu185Gln). This variant is not present in population databases (gnomAD no frequency). This variant has not been reported in the literature in individuals affected with CDKN1B-related conditions. ClinVar contains an entry for this variant (Variation ID: 1493008). An algorithm developed to predict the effect of missense changes on protein structure and function (PolyPhen-2) suggests that this variant is likely to be disruptive. In summary, the available evidence is currently insufficient to determine the role of this variant in disease. Therefore, it has been classified as a Variant of Uncertain Significance.

GeneDx
Classification: Uncertain significance. Last evaluated: 2023-12-26. Review status: criteria provided, single submitter. Criteria: GeneDx Variant Classification Process June 2021. Collection method: clinical testing. Allele origin: germline. Affected: yes.
Comment: Not observed at significant frequency in large population cohorts (gnomAD); In silico analysis supports that this missense variant does not alter protein structure/function; Has not been previously published as pathogenic or benign to our knowledge

NM_004064.5(CDKN1B):c.553G>C (p.Glu185Gln)

Gene: CDKN1B (cyclin dependent kinase inhibitor 1B; plus strand). Cytogenetic location: 12p13.1.
Variant type: single nucleotide variant.
Coding change: c.553G>C on transcript NM_004064.5 (MANE Select); coding-DNA position 553, G replaced by C.
Protein change: p.Glu185Gln; replaces glutamic acid 185 with glutamine.
Molecular consequence: missense variant.
Genome position (GRCh38, 1-based): chr12:12,718,902, G>C. VCF-style: chr12-12718902-G-C. GRCh37 (hg19) VCF-style: chr12-12871836-G-C.
Other names: c.553G>C (NM_004064.4); short protein forms E185Q.
Identifiers: ClinVar variation 1493008 (VCV001493008.13), dbSNP rs2136357420, ClinGen allele CA383973089.